The following is an entry in ClinVar:

ClinVar aggregate classification (germline): Uncertain significance (1 of 4 stars; one submission).

Conditions:
Cardiovascular phenotype. Identifiers: MedGen CN230736.

Submission:

Ambry Genetics
Classification: Uncertain significance for Cardiovascular phenotype. Last evaluated: 2024-08-12. Review status: criteria provided, single submitter. Criteria: Ambry Variant Classification Scheme 2023. Collection method: clinical testing. Allele origin: germline.
Comment: The p.I2205V variant (also known as c.6613A>G), located in coding exon 18 of the TNXB gene, results from an A to G substitution at nucleotide position 6613. The isoleucine at codon 2205 is replaced by valine, an amino acid with highly similar properties. This amino acid position is conserved. In addition, this alteration is predicted to be tolerated by in silico analysis. Based on the available evidence, the clinical significance of this variant remains unclear.

NM_001365276.2(TNXB):c.6613A>G (p.Ile2205Val)

Gene: TNXB (tenascin XB; minus strand). Cytogenetic location: 6p21.33.
Variant type: single nucleotide variant.
Coding change: c.6613A>G on transcript NM_001365276.2 (MANE Select); coding-DNA position 6613, A replaced by G.
Protein change: p.Ile2205Val; replaces isoleucine 2205 with valine.
Molecular consequence: missense variant.
Genome position (GRCh38, 1-based): chr6:32,065,049, T>C on the plus strand (A>G on the coding strand, the complement: TNXB is on the minus strand). VCF-style: chr6-32065049-T-C. GRCh37 (hg19) VCF-style: chr6-32032826-T-C.
Other names: c.7354A>G, p.Ile2452Val (NM_001428335.1); c.6613A>G, p.Ile2205Val (NM_019105.8); short protein forms I2205V, I2452V.
Identifiers: ClinVar variation 3459771 (VCV003459771.1).